The following is an entry in ClinVar:

NM_000400.4(ERCC2):c.1808_1809del (p.Lys603fs)

Gene: ERCC2 (ERCC excision repair 2, TFIIH core complex helicase subunit; minus strand). Cytogenetic location: 19q13.32.
Variant type: Deletion.
Coding change: c.1808_1809del on transcript NM_000400.4 (MANE Select); coding-DNA positions 1808 to 1809, 2 bases deleted (AA; older notation c.1808_1809delAA).
Protein change: p.Lys603fs; shifts the reading frame from lysine 603.
Molecular consequence: frameshift variant.
Genome position (GRCh38, 1-based): chr19:45,353,105-45,353,106, TT deleted on the plus strand (AA on the coding strand, the reverse complement: ERCC2 is on the minus strand); deleting any 2 consecutive bases within chr19:45,353,105-45,353,107 gives the same sequence; the c. name uses the placement nearest the transcript's 3' end. VCF-style (leftmost placement, unchanged base first): chr19-45353104-CTT-C. GRCh37 (hg19) VCF-style: chr19-45856362-CTT-C.
Other names: short protein forms K603fs.
Identifiers: ClinVar variation 2675048 (VCV002675048.3), dbSNP rs2514001984, ClinGen allele CA2695198230.
Genomic context (GRCh38, chr19:45,353,104, plus strand): 5'-TGGGAAGACACCTGGGGAGGAAGAGCCCAGTCCACTCACCAAAGTCGATTCCCTCGGACA[CTT>C]TGCCCCGGGCCACTGACAGCAGGATGGCCCCGCGGCCATTCTCGCAGGCCTGAGGTGGGG-3'

ClinVar aggregate classification (germline): Pathogenic. Review status: criteria provided, multiple submitters, no conflicts (2 of 4 stars). 2 submissions from 2 submitters: Pathogenic (2). Last evaluated 2025-07-07.

Conditions:
ERCC2-related disorder. Also called: ERCC2-related disorders; ERCC2-related conditions; ERCC2-related condition. Identifiers: MedGen CN239291.
Cerebrooculofacioskeletal syndrome 2 (COFS2). Identifiers: MedGen C1853102, MONDO:0012553, OMIM 610756.

Submissions (2):

Myriad Genetics, Inc.
Classification: Pathogenic for ERCC2-related disorder. Last evaluated: 2025-07-07. Review status: criteria provided, single submitter. Criteria: Myriad Autosomal Dominant, Autosomal Recessive and X-Linked Classification Criteria (2023). Collection method: clinical testing. Allele origin: unknown.
Comment: NM_000400.3(ERCC2):c.1808_1809delAA(K603Sfs*45) is expected to be pathogenic in the context of ERCC2-related disorders. This variant is predicted to lead to an abnormal or absent protein product due to the creation of a premature termination codon in ERCC2, a gene where loss-of-function variants are known to be pathogenic. Please note: this variant was assessed in the context of healthy population screening.

Baylor Genetics
Classification: Pathogenic for Cerebrooculofacioskeletal syndrome 2. Last evaluated: 2023-12-25. Review status: criteria provided, single submitter. Criteria: ACMG Guidelines, 2015. Collection method: clinical testing. Allele origin: unknown.